The following is an entry in ClinVar:

ClinVar aggregate classification (germline): Uncertain significance (1 of 4 stars; one submission).

Conditions:
Inborn genetic diseases. Identifiers: MedGen C0950123, MeSH D030342.

Submission:

Ambry Genetics
Classification: Uncertain significance for Inborn genetic diseases. Last evaluated: 2026-07-06. Review status: criteria provided, single submitter. Criteria: Ambry Variant Classification Scheme 2023. Collection method: clinical testing. Allele origin: germline.
Comment: The p.I39T variant (also known as c.116T>C), located in coding exon 1 of the WT1 gene, results from a T to C substitution at nucleotide position 116. The isoleucine at codon 39 is replaced by threonine, an amino acid with similar properties. This amino acid position is conserved. In addition, this alteration is predicted to be tolerated by in silico analysis. Based on the available evidence, the clinical significance of this variant remains unclear.

NM_024426.6(WT1):c.131T>C (p.Ile44Thr)

Genes: WT1 (WT1 transcription factor; minus strand), LOC107982234 (WT1/WT1-AS bi-directional promoter region; plus strand). Cytogenetic location: 11p13.
Variant type: single nucleotide variant.
Coding change: c.131T>C on transcript NM_024426.6 (MANE Select); coding-DNA position 131, T replaced by C.
Protein change: p.Ile44Thr; replaces isoleucine 44 with threonine.
Molecular consequence: missense variant. On other transcripts: 5 prime UTR variant (4), non-coding transcript variant (2).
Genome position (GRCh38, 1-based): chr11:32,435,230, A>G on the plus strand (T>C on the coding strand, the complement: WT1 is on the minus strand). VCF-style: chr11-32435230-A-G. GRCh37 (hg19) VCF-style: chr11-32456776-A-G.
Other names: c.131T>C, p.Ile44Thr (NM_000378.6, NM_001407044.1, NM_001407045.1 and 6 more transcripts); c.-89T>C (NM_001429031.1, NM_001429032.1, NM_001429033.1 and 1 more transcripts); short protein forms I44T, I39T.
Identifiers: ClinVar variation 5032028 (VCV005032028.1).